The following is an entry in ClinVar:

NM_014244.5(ADAMTS2):c.80_81insTC (p.Leu28fs)

Gene: ADAMTS2 (ADAM metallopeptidase with thrombospondin type 1 motif 2; minus strand). Cytogenetic location: 5q35.3.
Variant type: Insertion.
Coding change: c.80_81insTC on transcript NM_014244.5 (MANE Select); coding-DNA positions 80 to 81, TC inserted.
Protein change: p.Leu28fs; shifts the reading frame from leucine 28.
Molecular consequence: frameshift variant.
Genome position: GRCh38 VCF-style: chr5-179345248-G-GGA. GRCh37 (hg19) VCF-style: chr5-178772249-G-GGA.
Other names: c.80_81insTC, p.Leu28fs (NM_021599.4); short protein forms L28fs.
Identifiers: ClinVar variation 5010420 (VCV005010420.1).

ClinVar aggregate classification (germline): Pathogenic (1 of 4 stars; one submission).

Conditions:
Ehlers-Danlos syndrome, dermatosparaxis type. Also called: EDS VIIC; Dermatosparaxis; Ehlers-Danlos syndrome, type VII, autosomal recessive. Identifiers: Orphanet 1901, MedGen C2700425, MONDO:0009161, OMIM 225410.

Submission:

Myriad Genetics, Inc.
Classification: Pathogenic for Ehlers-Danlos syndrome, dermatosparaxis type. Last evaluated: 2024-05-14. Review status: criteria provided, single submitter. Criteria: Myriad Autosomal Dominant, Autosomal Recessive and X-Linked Classification Criteria (2023). Collection method: clinical testing. Allele origin: unknown.
Comment: NM_014244.4(ADAMTS2):c.80_81insTC(L28Pfs*138) is expected to be pathogenic in the context of Ehlers-Danlos syndrome, ADAMTS2-related. This variant is predicted to lead to an abnormal or absent protein product due to the creation of a premature termination codon in ADAMTS2, a gene where loss-of-function variants are known to be pathogenic. Please note: this variant was assessed in the context of healthy population screening.